The following is an entry in ClinVar:

ClinVar aggregate classification (germline): Uncertain significance (1 of 4 stars; one submission).

Conditions:
Left ventricular noncompaction 1 (LVNC1). Also called: LEFT VENTRICULAR NONCOMPACTION 1 WITH OR WITHOUT CONGENITAL HEART DEFECTS. Identifiers: Orphanet 54260, MedGen C1858725, MONDO:0011403, OMIM 604169.

Allele frequency attached by ClinVar (database versions not stated): ExAC 0.00001.
gnomAD v4.1: 12 of 1,611,874 alleles (0.00074%); highest among the groups gnomAD compares: Non-Finnish European, 0.001%; no homozygotes.

Submission:

Labcorp Genetics (formerly Invitae), Labcorp
Classification: Uncertain significance for Left ventricular noncompaction 1. Last evaluated: 2024-08-28. Review status: criteria provided, single submitter. Criteria: Invitae Variant Classification Sherloc (09022015). Collection method: clinical testing. Allele origin: germline.
Comment: This sequence change replaces glutamine, which is neutral and polar, with histidine, which is basic and polar, at codon 530 of the DTNA protein (p.Gln530His). This variant is present in population databases (rs769341407, gnomAD 0.004%). This variant has not been reported in the literature in individuals affected with DTNA-related conditions. An algorithm developed to predict the effect of missense changes on protein structure and function (PolyPhen-2) suggests that this variant is likely to be tolerated. In summary, the available evidence is currently insufficient to determine the role of this variant in disease. Therefore, it has been classified as a Variant of Uncertain Significance.

NM_001386795.1(DTNA):c.1671G>C (p.Gln557His)

Gene: DTNA (dystrobrevin alpha; plus strand). Cytogenetic location: 18q12.1.
Variant type: single nucleotide variant.
Coding change: c.1671G>C on transcript NM_001386795.1 (MANE Select); coding-DNA position 1671, G replaced by C.
Protein change: p.Gln557His; replaces glutamine 557 with histidine.
Molecular consequence: missense variant.
Genome position (GRCh38, 1-based): chr18:34,863,990, G>C. VCF-style: chr18-34863990-G-C. GRCh37 (hg19) VCF-style: chr18-32443954-G-C.
Other names: c.1410G>C, p.Gln470His (NM_001386767.1, NM_001386771.1, NM_001386772.1 and 9 more transcripts); c.1407G>C, p.Gln469His (NM_001386768.1, NM_001386769.1, NM_001386773.1 and 1 more transcripts); c.1500G>C, p.Gln500His (NM_001386770.1, NM_001386754.1, NM_001386755.1 and 4 more transcripts); c.1671G>C, p.Gln557His (NM_001386788.1); c.717G>C, p.Gln239His (NM_001198942.1); c.660G>C, p.Gln220His (NM_001198943.1); c.546G>C, p.Gln182His (NM_001198944.1); c.840G>C, p.Gln280His (NM_001198945.2); and 7 more; short protein forms Q500H, Q557H, Q182H, Q470H, Q530H, Q152H, Q220H, Q239H.
Identifiers: ClinVar variation 2909181 (VCV002909181.3), dbSNP rs769341407, ClinGen allele CA8935789.